The following is an entry in ClinVar:

NM_001252024.2(TRPM1):c.1637C>T (p.Pro546Leu)

Gene: TRPM1 (transient receptor potential cation channel subfamily M member 1; minus strand). Cytogenetic location: 15q13.3.
Variant type: single nucleotide variant.
Coding change: c.1637C>T on transcript NM_001252024.2 (MANE Select); coding-DNA position 1637, C replaced by T.
Protein change: p.Pro546Leu; replaces proline 546 with leucine.
Molecular consequence: missense variant.
Genome position (GRCh38, 1-based): chr15:31,047,238, G>A on the plus strand (C>T on the coding strand, the complement: TRPM1 is on the minus strand). VCF-style: chr15-31047238-G-A. GRCh37 (hg19) VCF-style: chr15-31339441-G-A.
Other names: c.1688C>T, p.Pro563Leu (NM_001252020.2); c.1571C>T, p.Pro524Leu (NM_002420.6); short protein forms P546L, P524L, P563L.
Identifiers: ClinVar variation 1045842 (VCV001045842.8), dbSNP rs186199074, ClinGen allele CA7452483.
Genomic context (GRCh38, chr15:31,047,238, plus strand): 5'-GCTCCTCCCATGAGGTACTCCAGCACGAGCCCGATGTCTATGAGGCTGATGTGGTAATCA[G>A]GCGGAAGGTTGCTCTGTAAAAGAAGTCTGGTCTCAGGCCCTGTGAGAATGCGTTCGCAGT-3'
Protein context (NP_001238953.1, residues 536-556): VRDVKKSNLP[Pro546Leu]DYHISLIDIG

ClinVar aggregate classification (germline): Uncertain significance (1 of 4 stars; one submission).

Allele frequency attached by ClinVar (database versions not stated): gnomAD 0.00001; gnomAD exomes 0.00002 and 0.00005; TOPMed 0.00003; ExAC 0.00004; 1000 Genomes Project 0.00020; 1000 Genomes Project 30x 0.00031.
gnomAD v4.1: 32 of 1,614,242 alleles (0.002%); highest among the groups gnomAD compares: Middle Eastern, 0.016%; no homozygotes.

Submission:

Labcorp Genetics (formerly Invitae), Labcorp
Classification: Uncertain significance. Last evaluated: 2023-12-11. Review status: criteria provided, single submitter. Criteria: Invitae Variant Classification Sherloc (09022015). Collection method: clinical testing. Allele origin: germline.
Comment: This sequence change replaces proline, which is neutral and non-polar, with leucine, which is neutral and non-polar, at codon 524 of the TRPM1 protein (p.Pro524Leu). This variant is present in population databases (rs186199074, gnomAD 0.04%). This variant has not been reported in the literature in individuals affected with TRPM1-related conditions. ClinVar contains an entry for this variant (Variation ID: 1045842). Advanced modeling of protein sequence and biophysical properties (such as structural, functional, and spatial information, amino acid conservation, physicochemical variation, residue mobility, and thermodynamic stability) performed at Invitae indicates that this missense variant is not expected to disrupt TRPM1 protein function with a negative predictive value of 95%. In summary, the available evidence is currently insufficient to determine the role of this variant in disease. Therefore, it has been classified as a Variant of Uncertain Significance.